The following is an entry in ClinVar:

ClinVar aggregate classification (germline): Pathogenic. Review status: criteria provided, multiple submitters, no conflicts (2 of 4 stars). 6 submissions from 6 submitters: Pathogenic (5). 1 of the submissions does not count toward it. Last evaluated 2025-03-19.

Conditions:
RAG1-related disorder. Also called: RAG1-related condition; RAG1-related disorders.
Severe combined immunodeficiency, autosomal recessive, T cell-negative, B cell-negative, NK cell-positive. Also called: SCID, T CELL-NEGATIVE, B CELL-NEGATIVE, NK CELL-POSITIVE; Severe combined immunodeficiency due to complete RAG1/2 deficiency; SCID, AR, T-cell negative, B-cell negative, NK cell-positive. Identifiers: Orphanet 331206, MedGen C1832322, MONDO:0011086, OMIM 601457.
Combined immunodeficiency with skin granulomas. Identifiers: Orphanet 157949, MedGen C2673536, MONDO:0009306, OMIM 233650.
Combined immunodeficiency due to partial RAG1 deficiency. Identifiers: Orphanet 231154, MedGen C1835931, MONDO:0012359, OMIM 609889.
Histiocytic medullary reticulosis. Also called: SEVERE COMBINED IMMUNODEFICIENCY WITH HYPEREOSINOPHILIA; Omenn syndrome. Identifiers: Orphanet 39041, MedGen C2700553, MONDO:0011338, OMIM 603554.
Severe combined immunodeficiency disease. Also called: Severe combined immunodeficiency; Severe Combined Immune Deficiency. Identifiers: Orphanet 183660, MedGen C0085110, MeSH D016511, MONDO:0015974, HP:0004430. Inheritance: X-Linked or Autosomal recessive.

Allele frequency attached by ClinVar (database versions not stated): gnomAD exomes below 0.00001; gnomAD 0.00001 and 0.00009; TOPMed 0.00012.
gnomAD v4.1: 42 of 1,613,992 alleles (0.0026%); highest among the groups gnomAD compares: African/African-American, 0.0027%; no homozygotes.

Submissions (6):

Women's Health and Genetics/Laboratory Corporation of America, LabCorp
Classification: Pathogenic for Severe combined immunodeficiency disease. Last evaluated: 2025-03-19. Review status: criteria provided, single submitter. Criteria: LabCorp Variant Classification Summary - May 2015. Collection method: clinical testing. Allele origin: germline.
Comment: Variant summary: RAG1 c.2974A>G (p.Lys992Glu) results in a conservative amino acid change in the encoded protein sequence. Two of four in-silico tools predict a benign effect of the variant on protein function. The variant allele was found at a frequency of 4e-06 in 250230 control chromosomes. c.2974A>G has been reported in the literature in multiple individuals affected with Severe Combined Immunodeficiency Syndrome/Omenn Syndrome (examples: Corneo_2001, Strauss_2008, Lee_2013). These data indicate that the variant is very likely to be associated with disease. At least one publication reports experimental evidence that this missense change affects RAG1 function (Corneo_2001). The following publications have been ascertained in the context of this evaluation (PMID: 11313270, 18442948, 24290284). ClinVar contains an entry for this variant (Variation ID: 372488). Based on the evidence outlined above, the variant was classified as pathogenic.

Labcorp Genetics (formerly Invitae), Labcorp
Classification: Pathogenic for Combined immunodeficiency with skin granulomas; Severe combined immunodeficiency, autosomal recessive, T cell-negative, B cell-negative, NK cell-positive. Last evaluated: 2024-10-15. Review status: criteria provided, single submitter. Criteria: Invitae Variant Classification Sherloc (09022015). Collection method: clinical testing. Allele origin: germline.
Comment: This sequence change replaces lysine, which is basic and polar, with glutamic acid, which is acidic and polar, at codon 992 of the RAG1 protein (p.Lys992Glu). This variant is present in population databases (rs539590514, gnomAD 0.002%). This missense change has been observed in individuals with Omenn syndrome (PMID: 11313270, 18442948, 24290284). ClinVar contains an entry for this variant (Variation ID: 372488). Invitae Evidence Modeling of protein sequence and biophysical properties (such as structural, functional, and spatial information, amino acid conservation, physicochemical variation, residue mobility, and thermodynamic stability) has been performed for this missense variant. However, the output from this modeling did not meet the statistical confidence thresholds required to predict the impact of this variant on RAG1 protein function. Experimental studies have shown that this missense change affects RAG1 function (PMID: 11313270, 24290284). For these reasons, this variant has been classified as Pathogenic.

Fulgent Genetics
Classification: Pathogenic for Combined immunodeficiency with skin granulomas; Severe combined immunodeficiency, autosomal recessive, T cell-negative, B cell-negative, NK cell-positive; Histiocytic medullary reticulosis; Combined immunodeficiency due to partial RAG1 deficiency. Last evaluated: 2024-03-23. Review status: criteria provided, single submitter. Criteria: ACMG Guidelines, 2015. Collection method: clinical testing. Allele origin: germline.

Baylor Genetics
Classification: Pathogenic for Combined immunodeficiency due to partial RAG1 deficiency. Last evaluated: 2024-02-08. Review status: criteria provided, single submitter. Criteria: ACMG Guidelines, 2015. Collection method: clinical testing. Allele origin: unknown.

GeneDx
Classification: Pathogenic. Last evaluated: 2023-11-08. Review status: criteria provided, single submitter. Criteria: GeneDx Variant Classification Process June 2021. Collection method: clinical testing. Allele origin: germline. Affected: yes.
Comment: Published functional studies demonstrate a damaging effect (significantly reduced recombination activity) (PMID: 24290284, 11313270); Not observed at significant frequency in large population cohorts (gnomAD); In silico analysis supports that this missense variant does not alter protein structure/function; This variant is associated with the following publications: (PMID: 11971977, 11313270, 31028937, 30877075, 34532947, 31672859, 18442948, 24290284, 34287245, 29410113, 26996199, 27825771)

PreventionGenetics, part of Exact Sciences
Classification: Pathogenic for RAG1-related condition. Last evaluated: 2024-09-06. Review status: no assertion criteria provided. Collection method: clinical testing. Allele origin: germline. Not counted in ClinVar's aggregate classification.
Comment: The RAG1 c.2974A>G variant is predicted to result in the amino acid substitution p.Lys992Glu. This variant has been reported in several individuals with RAG1 related disorders, some of which have had an additional deleterious variant within the RAG1 gene (Corneo et al. 2001. PubMed ID: 11313270; Lee et al. 2013. PubMed ID: 24290284; Table S1, Goda et al. 2018. PubMed ID: 29410113; Table S2, Schuetz et al. 2023. PubMed ID: 36279417; Strauss et al. 2008. PubMed ID: 18442948). This variant resides in a domain within the RAG1 gene that is required for a proper interaction with RAG2 (Corneo et al. 2001. PubMed ID: 11313270). Functional studies suggest this variant impairs function and results in abnormal VDJ recombination activity (Corneo et al. 2001. PubMed ID: 11313270; Lee et al. 2013. PubMed ID: 24290284). This variant is reported in 0.00089% of alleles in individuals of European (non-Finnish) descent in gnomAD. This variant is interpreted as pathogenic.

Literature cited by the submitters: PubMed 18442948 (cited by Women's Health and Genetics/Laboratory Corporation of America, LabCorp and Labcorp Genetics (formerly Invitae), Labcorp); PubMed 11313270 (cited by Women's Health and Genetics/Laboratory Corporation of America, LabCorp and Labcorp Genetics (formerly Invitae), Labcorp); PubMed 24290284 (cited by Women's Health and Genetics/Laboratory Corporation of America, LabCorp and Labcorp Genetics (formerly Invitae), Labcorp).

NM_000448.3(RAG1):c.2974A>G (p.Lys992Glu)

Gene: RAG1 (recombination activating 1; plus strand). Cytogenetic location: 11p12.
Variant type: single nucleotide variant.
Coding change: c.2974A>G on transcript NM_000448.3 (MANE Select); coding-DNA position 2974, A replaced by G.
Protein change: p.Lys992Glu; replaces lysine 992 with glutamic acid.
Molecular consequence: missense variant.
Genome position (GRCh38, 1-based): chr11:36,576,278, A>G. VCF-style: chr11-36576278-A-G. GRCh37 (hg19) VCF-style: chr11-36597828-A-G.
Other names: c.2974A>G, p.Lys992Glu (NM_001377277.1, NM_001377278.1, NM_001377279.1 and 1 more transcripts); short protein forms K992E.
Identifiers: ClinVar variation 372488 (VCV000372488.15), dbSNP rs539590514, ClinGen allele CA16042785.
Genomic context (GRCh38, chr11:36,576,278, plus strand): 5'-AGGCGCTTCCGGAAAATGAATGCCAGGCAGTCCAAATGCTATGAGATGGAAGATGTCCTG[A>G]AACACCACTGGTTGTACACCTCCAAATACCTCCAGAAGTTTATGAATGCTCATAATGCAT-3'
Protein context (NP_000439.2, residues 982-1002): SKCYEMEDVL[Lys992Glu]HHWLYTSKYL